The following is an entry in ClinVar:

NM_001205293.3(CACNA1E):c.2473A>G (p.Ser825Gly)

Gene: CACNA1E (calcium voltage-gated channel subunit alpha1 E; plus strand). Cytogenetic location: 1q25.3.
Variant type: single nucleotide variant.
Coding change: c.2473A>G on transcript NM_001205293.3 (MANE Select); coding-DNA position 2473, A replaced by G.
Protein change: p.Ser825Gly; replaces serine 825 with glycine.
Molecular consequence: missense variant.
Genome position (GRCh38, 1-based): chr1:181,732,559, A>G. VCF-style: chr1-181732559-A-G. GRCh37 (hg19) VCF-style: chr1-181701695-A-G.
Other names: c.2473A>G, p.Ser825Gly (NM_000721.4); c.2416A>G, p.Ser806Gly (NM_001205294.2); short protein forms S825G, S806G.
Identifiers: ClinVar variation 3006431 (VCV003006431.3), dbSNP rs2528694603, ClinGen allele CA343617426.
Genomic context (GRCh38, chr1:181,732,559, plus strand): 5'-ATGAACCCGCTCAACCCCCTCAACCCGCTCAGCTCCCTCAACCCGCTCAATGCCCACCCC[A>G]GCCTTTATCGGCGACCCAGGGCCATTGAGGGCCTGGCCCTGGGCCTGGCCCTGGAGAAGT-3'
Protein context (NP_001192222.1, residues 815-835): SSLNPLNAHP[Ser825Gly]LYRRPRAIEG

ClinVar aggregate classification (germline): Uncertain significance (1 of 4 stars; one submission).

Submission:

Labcorp Genetics (formerly Invitae), Labcorp
Classification: Uncertain significance. Last evaluated: 2025-01-17. Review status: criteria provided, single submitter. Criteria: Invitae Variant Classification Sherloc (09022015). Collection method: clinical testing. Allele origin: germline.
Comment: This sequence change replaces serine, which is neutral and polar, with glycine, which is neutral and non-polar, at codon 825 of the CACNA1E protein (p.Ser825Gly). This variant is not present in population databases (gnomAD no frequency). This variant has not been reported in the literature in individuals affected with CACNA1E-related conditions. ClinVar contains an entry for this variant (Variation ID: 3006431). Invitae Evidence Modeling of protein sequence and biophysical properties (such as structural, functional, and spatial information, amino acid conservation, physicochemical variation, residue mobility, and thermodynamic stability) has been performed for this missense variant. However, the output from this modeling did not meet the statistical confidence thresholds required to predict the impact of this variant on CACNA1E protein function. In summary, the available evidence is currently insufficient to determine the role of this variant in disease. Therefore, it has been classified as a Variant of Uncertain Significance.